The following is an entry in ClinVar:

NM_006208.3(ENPP1):c.1030G>T (p.Val344Leu)

Gene: ENPP1 (ectonucleotide pyrophosphatase/phosphodiesterase 1; plus strand). Cytogenetic location: 6q23.2.
Variant type: single nucleotide variant.
Coding change: c.1030G>T on transcript NM_006208.3 (MANE Select); coding-DNA position 1030, G replaced by T.
Protein change: p.Val344Leu; replaces valine 344 with leucine.
Molecular consequence: missense variant.
Genome position (GRCh38, 1-based): chr6:131,864,510, G>T. VCF-style: chr6-131864510-G-T. GRCh37 (hg19) VCF-style: chr6-132185650-G-T.
Other names: short protein forms V344L.
Identifiers: ClinVar variation 2795755 (VCV002795755.3), dbSNP rs1297236500, ClinGen allele CA365671169.

ClinVar aggregate classification (germline): Uncertain significance (1 of 4 stars; one submission).

Allele frequency attached by ClinVar (database versions not stated): gnomAD exomes below 0.00001; TOPMed below 0.00001.
gnomAD v4.1: 1 of 1,602,662 alleles (0.000062%); highest among the groups gnomAD compares: Admixed American, 0.0017%; no homozygotes.

Submission:

Labcorp Genetics (formerly Invitae), Labcorp
Classification: Uncertain significance. Last evaluated: 2023-10-05. Review status: criteria provided, single submitter. Criteria: Invitae Variant Classification Sherloc (09022015). Collection method: clinical testing. Allele origin: germline.
Comment: This sequence change replaces valine, which is neutral and non-polar, with leucine, which is neutral and non-polar, at codon 344 of the ENPP1 protein (p.Val344Leu). This variant is present in population databases (no rsID available, gnomAD 0.003%). This variant has not been reported in the literature in individuals affected with ENPP1-related conditions. Advanced modeling of protein sequence and biophysical properties (such as structural, functional, and spatial information, amino acid conservation, physicochemical variation, residue mobility, and thermodynamic stability) performed at Invitae indicates that this missense variant is not expected to disrupt ENPP1 protein function. In summary, the available evidence is currently insufficient to determine the role of this variant in disease. Therefore, it has been classified as a Variant of Uncertain Significance.